The following is an entry in ClinVar:

NM_000088.4(COL1A1):c.3293A>G (p.Glu1098Gly)

Gene: COL1A1 (collagen type I alpha 1 chain; minus strand). Cytogenetic location: 17q21.33.
Variant type: single nucleotide variant.
Coding change: c.3293A>G on transcript NM_000088.4 (MANE Select); coding-DNA position 3293, A replaced by G.
Protein change: p.Glu1098Gly; replaces glutamic acid 1098 with glycine.
Molecular consequence: missense variant.
Genome position (GRCh38, 1-based): chr17:50,187,952, T>C on the plus strand (A>G on the coding strand, the complement: COL1A1 is on the minus strand). VCF-style: chr17-50187952-T-C. GRCh37 (hg19) VCF-style: chr17-48265313-T-C.
Other names: short protein forms E1098G.
Identifiers: ClinVar variation 1729866 (VCV001729866.2), dbSNP rs1017213577, ClinGen allele CA291543003.

ClinVar aggregate classification (germline): Uncertain significance (1 of 4 stars; one submission).

Conditions:
Cardiovascular phenotype. Identifiers: MedGen CN230736.

Allele frequency attached by ClinVar (database versions not stated): gnomAD exomes 0.00001; TOPMed 0.00001.
gnomAD v4.1: 4 of 1,614,092 alleles (0.00025%); highest among the groups gnomAD compares: Admixed American, 0.0067%; no homozygotes.

Submission:

Ambry Genetics
Classification: Uncertain significance for Cardiovascular phenotype. Last evaluated: 2021-01-28. Review status: criteria provided, single submitter. Criteria: Ambry Variant Classification Scheme 2023. Collection method: clinical testing. Allele origin: germline.
Comment: The p.E1098G variant (also known as c.3293A>G), located in coding exon 45 of the COL1A1 gene, results from an A to G substitution at nucleotide position 3293. The glutamic acid at codon 1098 is replaced by glycine, an amino acid with similar properties. This amino acid position is well conserved in available vertebrate species. In addition, this alteration is predicted to be deleterious by in silico analysis. Since supporting evidence is limited at this time, the clinical significance of this alteration remains unclear.